The following is an entry in ClinVar:

ClinVar aggregate classification (germline): Uncertain significance (1 of 4 stars; one submission).

Conditions:
Hereditary breast ovarian cancer syndrome. Also called: Hereditary breast and ovarian cancer syndrome (HBOC); Hereditary breast and ovarian cancer; Breast and ovarian cancer; BRCA1- and BRCA2-Associated Hereditary Breast and Ovarian Cancer; Hereditary breast and ovarian cancer syndrome; Hereditary breast and/or ovarian cancer syndrome. Identifiers: Orphanet 145, MedGen C0677776, MeSH D061325, MONDO:0003582. Disease mechanism: loss of function.

Submission:

Labcorp Genetics (formerly Invitae), Labcorp
Classification: Uncertain significance for Hereditary breast ovarian cancer syndrome. Last evaluated: 2024-12-02. Review status: criteria provided, single submitter. Criteria: Invitae Variant Classification Sherloc (09022015). Collection method: clinical testing. Allele origin: germline.
Comment: This sequence change replaces lysine, which is basic and polar, with glutamine, which is neutral and polar, at codon 2547 of the BRCA2 protein (p.Lys2547Gln). This variant is not present in population databases (gnomAD no frequency). This variant has not been reported in the literature in individuals affected with BRCA2-related conditions. ClinVar contains an entry for this variant (Variation ID: 943927). Invitae Evidence Modeling of protein sequence and biophysical properties (such as structural, functional, and spatial information, amino acid conservation, physicochemical variation, residue mobility, and thermodynamic stability) indicates that this missense variant is not expected to disrupt BRCA2 protein function with a negative predictive value of 95%. In summary, the available evidence is currently insufficient to determine the role of this variant in disease. Therefore, it has been classified as a Variant of Uncertain Significance.

NM_000059.4(BRCA2):c.7639A>C (p.Lys2547Gln)

Gene: BRCA2 (BRCA2 DNA repair associated; plus strand). Cytogenetic location: 13q13.1.
Variant type: single nucleotide variant.
Coding change: c.7639A>C on transcript NM_000059.4 (MANE Select); coding-DNA position 7639, A replaced by C.
Protein change: p.Lys2547Gln; replaces lysine 2547 with glutamine.
Molecular consequence: missense variant.
Genome position (GRCh38, 1-based): chr13:32,357,763, A>C. VCF-style: chr13-32357763-A-C. GRCh37 (hg19) VCF-style: chr13-32931900-A-C.
Other names: short protein forms K2547Q.
Identifiers: ClinVar variation 943927 (VCV000943927.10), dbSNP rs80358991, ClinGen allele CA387744845.